The following is an entry in ClinVar:

ClinVar aggregate classification (germline): Uncertain significance (0 of 4 stars; one submission).

Allele frequency attached by ClinVar (database versions not stated): TOPMed below 0.00001; gnomAD 0.00001.
gnomAD v4.1: 1 of 1,613,470 alleles (0.000062%); highest among the groups gnomAD compares: Non-Finnish European, 0.000085%; no homozygotes.

Submission:

Genetic Services Laboratory, University of Chicago
Classification: Uncertain significance. Last evaluated: 2022-08-30. Review status: no assertion criteria provided. Collection method: clinical testing. Allele origin: germline. Affected: no.
Comment: DNA sequence analysis of the ATM gene demonstrated a sequence change, c.2838G>A, in exon 18 that results in an amino acid change, p.Met946Ile. This sequence change does not appear to have been previously described in individuals with ATM-related disorders and has also not been described in population databases such as ExAC and gnomAD (dbSNP rs1317505466). A different nucleotide substitution at the same amino acid residue (c.2838G>T, p.Met946Ile) at same residue was reported in an individual with personal history of breast cancer (PMID: 28486781). The p.Met946Ile change affects a moderately conserved amino acid residue located in a domain of the ATM protein that is known to be functional. The p.Met946Ile substitution appears to be benign using several in-silico pathogenicity prediction tools (SIFT, PolyPhen2, Align GVGD, REVEL). Due to insufficient evidences and the lack of functional studies, the clinical significance of the p.Met946Ile change remains unknown at this time.

NM_000051.4(ATM):c.2838G>A (p.Met946Ile)

Gene: ATM (ATM serine/threonine kinase; plus strand). Cytogenetic location: 11q22.3.
Variant type: single nucleotide variant.
Coding change: c.2838G>A on transcript NM_000051.4 (MANE Select); coding-DNA position 2838, G replaced by A.
Protein change: p.Met946Ile; replaces methionine 946 with isoleucine.
Molecular consequence: missense variant.
Genome position (GRCh38, 1-based): chr11:108,268,609, G>A. VCF-style: chr11-108268609-G-A. GRCh37 (hg19) VCF-style: chr11-108139336-G-A.
Other names: c.2838G>A, p.Met946Ile (NM_001351834.2); short protein forms M946I.
Identifiers: ClinVar variation 2443285 (VCV002443285.2), dbSNP rs1317505466, ClinGen allele CA382545867.